The following is an entry in ClinVar:

NM_022114.4(PRDM16):c.3354GGA[5] (p.Glu1121_Asp1122insGlu)

Gene: PRDM16 (PR/SET domain 16; plus strand). Cytogenetic location: 1p36.32.
Variant type: Microsatellite.
Coding change: c.3354GGA[5] on transcript NM_022114.4 (MANE Select); five copies in a row of the 3-base unit GGA starting at c.3354; the reference has four copies in a row; one copy, 3 bases duplicated.
Protein change: p.Glu1121_Asp1122insGlu.
Molecular consequence: inframe insertion.
Genome position (GRCh38, 1-based): chr1:3,430,950-3,430,952, GGA duplicated; duplicating any 3 consecutive bases within chr1:3,430,941-3,430,952 gives the same sequence; the position shown is the placement nearest the transcript's 3' end. VCF-style (leftmost placement, unchanged base first): chr1-3430940-T-TGGA. GRCh37 (hg19) VCF-style: chr1-3347504-T-TGGA.
Other names: c.3354GGA[5], p.Glu1121_Asp1122insGlu (NM_199454.3).
Identifiers: ClinVar variation 2885080 (VCV002885080.3), dbSNP rs779426991, ClinGen allele CA521015512.

ClinVar aggregate classification (germline): Uncertain significance (1 of 4 stars; one submission).

Conditions:
Left ventricular noncompaction 8 (LVNC8). Identifiers: Orphanet 154, Orphanet 54260, MedGen C3809288, MONDO:0014152, OMIM 615373.

Submission:

Labcorp Genetics (formerly Invitae), Labcorp
Classification: Uncertain significance for Left ventricular noncompaction 8. Last evaluated: 2023-11-13. Review status: criteria provided, single submitter. Criteria: Invitae Variant Classification Sherloc (09022015). Collection method: clinical testing. Allele origin: germline.
Comment: This variant, c.3363_3365dup, results in the insertion of 1 amino acid(s) of the PRDM16 protein (p.Glu1121dup), but otherwise preserves the integrity of the reading frame. This variant is present in population databases (no rsID available, gnomAD 0.0009%). This variant has not been reported in the literature in individuals affected with PRDM16-related conditions. In summary, the available evidence is currently insufficient to determine the role of this variant in disease. Therefore, it has been classified as a Variant of Uncertain Significance.